The following is an entry in ClinVar:

NM_001291415.2(KDM6A):c.4161+1G>T

Gene: KDM6A (lysine demethylase 6A; plus strand). Cytogenetic location: Xp11.3.
Variant type: single nucleotide variant.
Coding change: c.4161+1G>T on transcript NM_001291415.2 (MANE Select); the canonical splice donor site of the intron after coding-DNA position 4161, G replaced by T.
Molecular consequence: splice donor variant.
Genome position (GRCh38, 1-based): chrX:45,107,537, G>T. VCF-style: chrX-45107537-G-T. GRCh37 (hg19) VCF-style: chrX-44966782-G-T.
Other names: NC_000023.10:g.44966782G>T; c.4269+1G>T (NM_001419809.1); c.4167+1G>T (NM_001419810.1); c.4059+1G>T (NM_001419813.1); c.4113+1G>T (NM_001419812.1); c.4005+1G>T (NM_021140.4); c.4011+1G>T (NM_001419814.1); c.3903+1G>T (NM_001410742.1); and 6 more.
Identifiers: ClinVar variation 3765882 (VCV003765882.2).
Genomic context (GRCh38, chrX:45,107,537, plus strand): 5'-GAGATTATATGGCATGGGCGGACAAAAGAAGAACCAGCTCATTACTGTAGCATTTGTGAA[G>T]TAAGTAATTGTTTTTATCCACAGTTGTTTTATAAAGCCTCTTCCCTCTCCACTGTTGGTT-3'

ClinVar aggregate classification (germline): Pathogenic (1 of 4 stars; one submission).

Conditions:
Kabuki syndrome 2 (KABUK2). Also called: KDM6A-Related Kabuki Syndrome. Identifiers: Orphanet 2322, MedGen C3275495, MONDO:0010465, OMIM 300867.

Submissions (2):

Greenwood Genetic Center Diagnostic Laboratories, Greenwood Genetic Center
Classification: Pathogenic for Kabuki syndrome 2. Last evaluated: 2024-07-31. Review status: criteria provided, single submitter. Criteria: ACMG Guidelines, 2015. Collection method: clinical testing. Allele origin: germline. Affected: yes.
Comment: PVS1, PS2, PM2

Dr. Peter K. Rogan Lab, Western University
No classification provided (evidence only). Condition: Nonpapillary renal cell carcinoma. Review status: no classification provided. Collection method: in vitro. Allele origin: not applicable. Functional consequence: retained intron. Not counted in ClinVar's aggregate classification.